The following is an entry in ClinVar:

NM_001572.5(IRF7):c.1414dup (p.Ser472fs)

Gene: IRF7 (interferon regulatory factor 7; minus strand). Cytogenetic location: 11p15.5.
Variant type: Duplication.
Coding change: c.1414dup on transcript NM_001572.5 (MANE Select); coding-DNA position 1414, one base duplicated (T; older notation c.1414dupT).
Protein change: p.Ser472fs; shifts the reading frame from serine 472.
Molecular consequence: frameshift variant.
Genome position (GRCh38, 1-based): chr11:612,743, A duplicated on the plus strand (T on the coding strand, the reverse complement: IRF7 is on the minus strand); the first of 2 consecutive A bases (chr11:612,743-612,744); duplicating either gives the same sequence. VCF-style (leftmost placement, unchanged base first): chr11-612742-G-GA. GRCh37 (hg19) VCF-style: chr11-612742-G-GA.
Other names: c.1450dup, p.Ser484fs (NM_001440440.1); c.1411dup, p.Ser471fs (NM_001440442.1); c.1366dup, p.Ser456fs (NM_001440444.1); c.1324dup, p.Ser442fs (NM_001440445.1); c.1042dup, p.Ser348fs (NM_001440446.1); c.1327dup, p.Ser443fs (NM_004029.4); c.1453dup, p.Ser485fs (NM_004031.4); short protein forms S348fs, S484fs, S485fs, S442fs, S443fs, S456fs, S472fs, S471fs.
Identifiers: ClinVar variation 4697877 (VCV004697877.1).

ClinVar aggregate classification (germline): Uncertain significance (1 of 4 stars; one submission).

Conditions:
Immunodeficiency 39 (IMD39). Identifiers: Orphanet 574918, MedGen C4225358, MONDO:0014597, OMIM 616345.

Submission:

Labcorp Genetics (formerly Invitae), Labcorp
Classification: Uncertain significance for Immunodeficiency 39. Last evaluated: 2025-10-09. Review status: criteria provided, single submitter. Criteria: Invitae Variant Classification Sherloc (09022015). Collection method: clinical testing. Allele origin: germline.
Comment: This sequence change creates a premature translational stop signal (p.Ser485Phefs*4) in the IRF7 gene. While this is not anticipated to result in nonsense mediated decay, it is expected to disrupt the last 32 amino acid(s) of the IRF7 protein. This variant is not present in population databases (gnomAD no frequency). This variant has not been reported in the literature in individuals affected with IRF7-related conditions. Experimental studies and prediction algorithms are not available or were not evaluated, and the functional significance of this variant is currently unknown. Algorithms developed to predict the effect of sequence changes on RNA splicing suggest that this variant may disrupt the consensus splice site. In summary, the available evidence is currently insufficient to determine the role of this variant in disease. Therefore, it has been classified as a Variant of Uncertain Significance.